The following is an entry in ClinVar:

ClinVar aggregate classification (germline): Pathogenic (1 of 4 stars; one submission).

Conditions:
Zygodactyly type 1. Identifiers: Orphanet 295187, Orphanet 93402, MedGen C1853294, MONDO:0012351, OMIM 609815.

Submission:

Dr. Orhan Ocalgiray Molecular Biology-Biotechnology and Genetics Research Centre (MOBGAM), Istanbul Technical University
Classification: Pathogenic for Zygodactyly type 1. Review status: criteria provided, single submitter. Criteria: ACMG Guidelines, 2015. Collection method: research. Allele origin: germline. Inheritance: Autosomal dominant inheritance. Affected: yes. Observed: 1 variant allele, 1 heterozygote.
Comment: It is a novel VWA1 c.-135C>G variant found in a haplotype segregated with ZD1 in a Turkish family. It is determined that this variant was causative in the family.

NM_199121.3(VWA1):c.-135C>G

Gene: VWA1 (von Willebrand factor A domain containing 1; plus strand). Cytogenetic location: 1p36.33.
Variant type: single nucleotide variant.
Coding change: c.-135C>G on transcript NM_199121.3; 135 bases upstream of the start codon, C replaced by G.
Genome position (GRCh38, 1-based): chr1:1,435,614, C>G. VCF-style: chr1-1435614-C-G. GRCh37 (hg19) VCF-style: chr1-1370994-C-G.
Identifiers: ClinVar variation 4687869 (VCV004687869.1).
Genomic context (GRCh38, chr1:1,435,614, plus strand): 5'-GCCTCTCCGGGGTCTGTGCGCGTGGCCCTCCGCTCGCGCCGGAGGGCGTGGGCGTGGCCT[C>G]GGCGTGGGTGTGGCCGCTCGGGGAGGGGCCTCCCGGGGGCGGGGCCGGCCTGGTCCGCGC-3'